The following is an entry in ClinVar:

ClinVar aggregate classification (germline): Uncertain significance (1 of 4 stars; one submission).

Conditions:
Familial hemiplegic migraine. Identifiers: MedGen C0338484, MONDO:0000700.

gnomAD v4.1: 2 of 1,613,890 alleles (0.00012%); highest among the groups gnomAD compares: Admixed American, 0.0017%; no homozygotes.

Submission:

Labcorp Genetics (formerly Invitae), Labcorp
Classification: Uncertain significance for Familial hemiplegic migraine. Last evaluated: 2024-07-22. Review status: criteria provided, single submitter. Criteria: Invitae Variant Classification Sherloc (09022015). Collection method: clinical testing. Allele origin: germline.
Comment: This sequence change affects codon 947 of the ATP1A2 mRNA. It is a 'silent' change, meaning that it does not change the encoded amino acid sequence of the ATP1A2 protein. It affects a nucleotide within the consensus splice site. This variant is not present in population databases (gnomAD no frequency). This variant has not been reported in the literature in individuals affected with ATP1A2-related conditions. Algorithms developed to predict the effect of sequence changes on RNA splicing suggest that this variant is not likely to affect RNA splicing. In summary, the available evidence is currently insufficient to determine the role of this variant in disease. Therefore, it has been classified as a Variant of Uncertain Significance.

NM_000702.4(ATP1A2):c.2841G>A (p.Lys947=)

Gene: ATP1A2 (ATPase Na+/K+ transporting subunit alpha 2; plus strand). Cytogenetic location: 1q23.2.
Variant type: single nucleotide variant.
Coding change: c.2841G>A on transcript NM_000702.4 (MANE Select); coding-DNA position 2841, G replaced by A.
Protein change: p.Lys947=; no amino-acid change (lysine 947 retained).
Molecular consequence: synonymous variant.
Genome position (GRCh38, 1-based): chr1:160,139,640, G>A. VCF-style: chr1-160139640-G-A. GRCh37 (hg19) VCF-style: chr1-160109430-G-A.
Identifiers: ClinVar variation 3693980 (VCV003693980.2).